The following is an entry in ClinVar:

NM_018897.3(DNAH7):c.5411del (p.Leu1804fs)

Gene: DNAH7 (dynein axonemal heavy chain 7; minus strand). Cytogenetic location: 2q32.3.
Variant type: Deletion.
Coding change: c.5411del on transcript NM_018897.3 (MANE Select); coding-DNA position 5411, one base deleted (T; older notation c.5411delT).
Protein change: p.Leu1804fs; shifts the reading frame from leucine 1804.
Molecular consequence: frameshift variant.
Genome position (GRCh38, 1-based): chr2:195,886,268, A deleted on the plus strand (T on the coding strand, the reverse complement: DNAH7 is on the minus strand); the first of 2 consecutive A bases (chr2:195,886,268-195,886,269); deleting either gives the same sequence. VCF-style (leftmost placement, unchanged base first): chr2-195886267-TA-T. GRCh37 (hg19) VCF-style: chr2-196750991-TA-T.
Other names: short protein forms L1804fs.
Identifiers: ClinVar variation 3065342 (VCV003065342.1), dbSNP rs763829514, ClinGen allele CA2035406.
Genomic context (GRCh38, chr2:195,886,267, plus strand): 5'-CATAAAACAGTCTATTAGATTCATTAAGGACCGGACCAAGTTTGTATCGGAAGTAGGAGA[TA>T]ATTCCTGAAAAGTCAGTAAGAAAAATGACTAAACAATTTAAATTAGGTAATAGCTAAAAT-3'

ClinVar aggregate classification (germline): no classifications from unflagged records (0 of 4 stars; one submission).

Conditions:
Ciliary dyskinesia, primary, 50 (CILD50). Identifiers: MedGen C5830473, MONDO:0957252, OMIM 620356.

Submission:

Genomic Medicine Center of Excellence, King Faisal Specialist Hospital and Research Centre
Classification: Likely pathogenic for Ciliary dyskinesia, primary, 50. Last evaluated: 2024-03-26. Review status: flagged submission. Criteria: ACMG Guidelines, 2015. Collection method: clinical testing. Allele origin: germline.
ClinVar note: Notes: Flagging candidate with reason of insufficient supporting evidence. This gene has been classified as having a limited gene-disease relationship by a ClinGen Expert Panel.
ClinVar note: Reason: P/LP classification for a variant in a gene with insufficient evidence for a gene-disease relationship